The following is an entry in ClinVar:

NM_005411.5(SFTPA1):c.-23-153G>A

Gene: SFTPA1 (surfactant protein A1; plus strand). Cytogenetic location: 10q22.3.
Variant type: single nucleotide variant.
Coding change: c.-23-153G>A on transcript NM_005411.5 (MANE Select); 153 bases into the intron before 23 bases upstream of the start codon, G replaced by A.
Molecular consequence: intron variant.
Genome position (GRCh38, 1-based): chr10:79,611,650, G>A. VCF-style: chr10-79611650-G-A. GRCh37 (hg19) VCF-style: chr10-81371406-G-A.
Other names: c.-23-153G>A (NM_001164646.2, NM_001164644.2, NM_001164647.1); c.22+9G>A (NM_001164645.2, NM_001093770.3).
Identifiers: ClinVar variation 3048596 (VCV003048596.2), dbSNP rs3997774, ClinGen allele CA5574302.

ClinVar aggregate classification (germline): Likely benign (0 of 4 stars; one submission).

Conditions:
SFTPA1-related disorder. Also called: SFTPA1-related condition.

Allele frequency attached by ClinVar (database versions not stated): gnomAD exomes 0.00003; 1000 Genomes Project 30x 0.00031; 1000 Genomes Project 0.00040.
gnomAD v4.1: 89 of 1,554,926 alleles (0.0057%); highest among the groups gnomAD compares: African/African-American, 0.11%; no homozygotes.

Submission:

PreventionGenetics, part of Exact Sciences
Classification: Likely benign for SFTPA1-related condition. Last evaluated: 2019-11-22. Review status: no assertion criteria provided. Collection method: clinical testing. Allele origin: germline.
Comment: This variant is classified as likely benign based on ACMG/AMP sequence variant interpretation guidelines (Richards et al. 2015 PMID: 25741868, with internal and published modifications).